The following is an entry in ClinVar:

ClinVar aggregate classification (germline): Uncertain significance (1 of 4 stars; one submission).

Submission:

Labcorp Genetics (formerly Invitae), Labcorp
Classification: Uncertain significance. Last evaluated: 2022-08-01. Review status: criteria provided, single submitter. Criteria: Invitae Variant Classification Sherloc (09022015). Collection method: clinical testing. Allele origin: germline.
Comment: This sequence change replaces methionine, which is neutral and non-polar, with leucine, which is neutral and non-polar, at codon 1214 of the MPDZ protein (p.Met1214Leu). This variant is not present in population databases (gnomAD no frequency). This variant has not been reported in the literature in individuals affected with MPDZ-related conditions. Algorithms developed to predict the effect of missense changes on protein structure and function output the following: SIFT: "Tolerated"; PolyPhen-2: "Benign"; Align-GVGD: "Class C0". The leucine amino acid residue is found in multiple mammalian species, which suggests that this missense change does not adversely affect protein function. In summary, the available evidence is currently insufficient to determine the role of this variant in disease. Therefore, it has been classified as a Variant of Uncertain Significance.

NM_001378778.1(MPDZ):c.3640A>T (p.Met1214Leu)

Gene: MPDZ (multiple PDZ domain crumbs cell polarity complex component; minus strand). Cytogenetic location: 9p23.
Variant type: single nucleotide variant.
Coding change: c.3640A>T on transcript NM_001378778.1 (MANE Select); coding-DNA position 3640, A replaced by T.
Protein change: p.Met1214Leu; replaces methionine 1214 with leucine.
Molecular consequence: missense variant. On other transcripts: intron variant (8).
Genome position (GRCh38, 1-based): chr9:13,147,649, T>A on the plus strand (A>T on the coding strand, the complement: MPDZ is on the minus strand). VCF-style: chr9-13147649-T-A. GRCh37 (hg19) VCF-style: chr9-13147648-T-A.
Other names: c.3640A>T, p.Met1214Leu (NM_001261406.2, NM_001261407.2, NM_001330637.2 and 6 more transcripts); c.3630+2862A>T (NM_001375425.1, NM_001375420.1, NM_001375423.1 and 4 more transcripts); c.3432+2862A>T (NM_001375427.1); short protein forms M1214L.
Identifiers: ClinVar variation 1714719 (VCV001714719.5), dbSNP rs1948611925, ClinGen allele CA372950582.